The following is an entry in ClinVar:

NM_052945.4(TNFRSF13C):c.278T>C (p.Leu93Pro)

Genes: TNFRSF13C (TNF receptor superfamily member 13C; minus strand), LOC130067574 (ATAC-STARR-seq lymphoblastoid silent region 13813; plus strand). Cytogenetic location: 22q13.2.
Variant type: single nucleotide variant.
Coding change: c.278T>C on transcript NM_052945.4 (MANE Select); coding-DNA position 278, T replaced by C.
Protein change: p.Leu93Pro; replaces leucine 93 with proline.
Molecular consequence: missense variant.
Genome position (GRCh38, 1-based): chr22:41,926,190, A>G on the plus strand (T>C on the coding strand, the complement: TNFRSF13C is on the minus strand). VCF-style: chr22-41926190-A-G. GRCh37 (hg19) VCF-style: chr22-42322194-A-G.
Other names: short protein forms L93P.
Identifiers: ClinVar variation 843432 (VCV000843432.10), dbSNP rs2077628911, ClinGen allele CA411763151.

ClinVar aggregate classification (germline): Uncertain significance (1 of 4 stars; one submission).

Conditions:
Immunodeficiency, common variable, 4. Also called: ANTIBODY DEFICIENCY DUE TO BAFFR DEFECT. Identifiers: Orphanet 1572, Orphanet 696925, MedGen C3150739, MONDO:0013284, OMIM 613494.

Submission:

Labcorp Genetics (formerly Invitae), Labcorp
Classification: Uncertain significance for Immunodeficiency, common variable, 4. Last evaluated: 2019-02-07. Review status: criteria provided, single submitter. Criteria: Invitae Variant Classification Sherloc (09022015). Collection method: clinical testing. Allele origin: germline.
Comment: This variant has not been reported in the literature in individuals with TNFRSF13C-related conditions. This variant is not present in population databases (ExAC no frequency). This sequence change replaces leucine with proline at codon 93 of the TNFRSF13C protein (p.Leu93Pro). The leucine residue is highly conserved and there is a moderate physicochemical difference between leucine and proline. Algorithms developed to predict the effect of missense changes on protein structure and function (SIFT, PolyPhen-2, Align-GVGD) all suggest that this variant is likely to be disruptive, but these predictions have not been confirmed by published functional studies and their clinical significance is uncertain. In summary, the available evidence is currently insufficient to determine the role of this variant in disease. Therefore, it has been classified as a Variant of Uncertain Significance.